The following is an entry in ClinVar:

NM_001077350.3(NPRL3):c.998T>A (p.Val333Asp)

Genes: HBA-LCR (alpha-globin locus control region; plus strand), NPRL3 (NPR3 like, GATOR1 complex subunit; minus strand). Cytogenetic location: 16p13.3.
Variant type: single nucleotide variant.
Coding change: c.998T>A on transcript NM_001077350.3 (MANE Select); coding-DNA position 998, T replaced by A.
Protein change: p.Val333Asp; replaces valine 333 with aspartic acid.
Molecular consequence: missense variant.
Genome position (GRCh38, 1-based): chr16:93,252, A>T on the plus strand (T>A on the coding strand, the complement: NPRL3 is on the minus strand). VCF-style: chr16-93252-A-T. GRCh37 (hg19) VCF-style: chr16-143250-A-T.
Other names: c.461T>A, p.Val154Asp (NM_001039476.3); c.764T>A, p.Val255Asp (NM_001243247.2); c.923T>A, p.Val308Asp (NM_001243248.2, NM_001243249.2); short protein forms V255D, V308D, V154D, V333D.
Identifiers: ClinVar variation 2732275 (VCV002732275.3), dbSNP rs1898839712, ClinGen allele CA394053466.

ClinVar aggregate classification (germline): Uncertain significance (1 of 4 stars; one submission).

Conditions:
Epilepsy, familial focal, with variable foci 3 (FFEVF3). Identifiers: MedGen C4310708, MONDO:0014925, OMIM 617118.

Allele frequency attached by ClinVar (database versions not stated): TOPMed below 0.00001.

Submission:

Labcorp Genetics (formerly Invitae), Labcorp
Classification: Uncertain significance for Epilepsy, familial focal, with variable foci 3. Last evaluated: 2022-11-10. Review status: criteria provided, single submitter. Criteria: Invitae Variant Classification Sherloc (09022015). Collection method: clinical testing. Allele origin: germline.
Comment: This variant has not been reported in the literature in individuals affected with NPRL3-related conditions. This sequence change replaces valine, which is neutral and non-polar, with aspartic acid, which is acidic and polar, at codon 333 of the NPRL3 protein (p.Val333Asp). This variant is not present in population databases (gnomAD no frequency). Advanced modeling of protein sequence and biophysical properties (such as structural, functional, and spatial information, amino acid conservation, physicochemical variation, residue mobility, and thermodynamic stability) performed at Invitae indicates that this missense variant is expected to disrupt NPRL3 protein function. In summary, the available evidence is currently insufficient to determine the role of this variant in disease. Therefore, it has been classified as a Variant of Uncertain Significance.